The following is an entry in ClinVar:

ClinVar aggregate classification (germline): Benign/Likely benign. Review status: criteria provided, multiple submitters, no conflicts (2 of 4 stars). 2 submissions from 2 submitters: Benign (1); Likely benign (1). Last evaluated 2026-06-01.

gnomAD v4.1: 31 of 1,614,074 alleles (0.0019%); highest among the groups gnomAD compares: Admixed American, 0.04%; 1 homozygote.

Submissions (2):

CeGaT Center for Human Genetics Tuebingen
Classification: Likely benign. Last evaluated: 2026-06-01. Review status: criteria provided, single submitter. Criteria: CeGaT Center For Human Genetics Tuebingen Variant Classification Criteria Version 2. Collection method: clinical testing. Allele origin: germline. Affected: yes. Observed: 1 variant allele.
Comment: WNT7A: BP4, BP7

Labcorp Genetics (formerly Invitae), Labcorp
Classification: Benign. Last evaluated: 2026-01-12. Review status: criteria provided, single submitter. Criteria: Invitae Variant Classification Sherloc (09022015). Collection method: clinical testing. Allele origin: germline.

NM_004625.4(WNT7A):c.846G>A (p.Pro282=)

Gene: WNT7A (Wnt family member 7A; minus strand). Cytogenetic location: 3p25.1.
Variant type: single nucleotide variant.
Coding change: c.846G>A on transcript NM_004625.4 (MANE Select); coding-DNA position 846, G replaced by A.
Protein change: p.Pro282=; no amino-acid change (proline 282 retained).
Molecular consequence: synonymous variant.
Genome position (GRCh38, 1-based): chr3:13,819,148, C>T on the plus strand (G>A on the coding strand, the complement: WNT7A is on the minus strand). VCF-style: chr3-13819148-C-T. GRCh37 (hg19) VCF-style: chr3-13860645-C-T.
Identifiers: ClinVar variation 4808403 (VCV004808403.3).